The following is an entry in ClinVar:

ClinVar aggregate classification (germline): Likely pathogenic (1 of 4 stars; one submission).

Conditions:
3-methylcrotonyl-CoA carboxylase 2 deficiency. Also called: METHYLCROTONYLGLYCINURIA, TYPE II; 3 alpha methylcrotonyl-CoA carboxylase 2 deficiency; 3 alpha methylcrotonylglycinuria 2; MCC 2 deficiency; Methylcrotonylglycinuria type 2. Identifiers: Orphanet 6, MedGen C1859499, MONDO:0008862, OMIM 210210.

Allele frequency attached by ClinVar (database versions not stated): gnomAD exomes below 0.00001.
gnomAD v4.1: 1 of 1,613,212 alleles (0.000062%); highest among the groups gnomAD compares: South Asian, 0.0011%; no homozygotes.

Submission:

Labcorp Genetics (formerly Invitae), Labcorp
Classification: Likely pathogenic for 3-methylcrotonyl-CoA carboxylase 2 deficiency. Last evaluated: 2021-05-08. Review status: criteria provided, single submitter. Criteria: Invitae Variant Classification Sherloc (09022015). Collection method: clinical testing. Allele origin: germline.
Comment: This sequence change affects a donor splice site in intron 14 of the MCCC2 gene. It is expected to disrupt RNA splicing. Variants that disrupt the donor or acceptor splice site typically lead to a loss of protein function (PMID: 16199547), and loss-of-function variants in MCCC2 are known to be pathogenic (PMID: 11181649, 22642865). This variant is not present in population databases (ExAC no frequency). This variant has not been reported in the literature in individuals with MCCC2-related conditions. Algorithms developed to predict the effect of sequence changes on RNA splicing suggest that this variant may disrupt the consensus splice site, but this prediction has not been confirmed by published transcriptional studies. In summary, the currently available evidence indicates that the variant is pathogenic, but additional data are needed to prove that conclusively. Therefore, this variant has been classified as Likely Pathogenic.

Literature cited by the submitters: PubMed 16199547; PubMed 11181649; PubMed 22642865.

NM_022132.5(MCCC2):c.1373+2T>G

Gene: MCCC2 (methylcrotonyl-CoA carboxylase subunit 2; plus strand). Cytogenetic location: 5q13.2.
Variant type: single nucleotide variant.
Coding change: c.1373+2T>G on transcript NM_022132.5 (MANE Select); the canonical splice donor site of the intron after coding-DNA position 1373, T replaced by G.
Molecular consequence: splice donor variant.
Genome position (GRCh38, 1-based): chr5:71,649,255, T>G. VCF-style: chr5-71649255-T-G. GRCh37 (hg19) VCF-style: chr5-70945082-T-G.
Other names: c.1259+2T>G (NM_001363147.1).
Identifiers: ClinVar variation 1465653 (VCV001465653.8), dbSNP rs2112468012, ClinGen allele CA359998410.